The following is an entry in ClinVar:

NM_004260.4(RECQL4):c.3497del (p.Gly1166fs)

Gene: RECQL4 (RecQ like helicase 4; minus strand). Cytogenetic location: 8q24.3.
Variant type: Deletion.
Coding change: c.3497del on transcript NM_004260.4 (MANE Select); coding-DNA position 3497, one base deleted (G; older notation c.3497delG).
Protein change: p.Gly1166fs; shifts the reading frame from glycine 1166.
Molecular consequence: frameshift variant.
Genome position (GRCh38, 1-based): chr8:144,511,686, C deleted on the plus strand (G on the coding strand, the reverse complement: RECQL4 is on the minus strand); the first of 2 consecutive C bases (chr8:144,511,686-144,511,687); deleting either gives the same sequence. VCF-style (leftmost placement, unchanged base first): chr8-144511685-GC-G. GRCh37 (hg19) VCF-style: chr8-145737068-GC-G.
Other names: short protein forms G1166fs.
Identifiers: ClinVar variation 1494895 (VCV001494895.6), dbSNP rs35626651, ClinGen allele CA4947714.

ClinVar aggregate classification (germline): Uncertain significance (1 of 4 stars; one submission).

Conditions:
Baller-Gerold syndrome (BGS). Also called: CRANIOSYNOSTOSIS WITH RADIAL DEFECTS. Identifiers: Orphanet 1225, MedGen C0265308, MONDO:0009039, OMIM 218600.

Submission:

Labcorp Genetics (formerly Invitae), Labcorp
Classification: Uncertain significance for Baller-Gerold syndrome. Last evaluated: 2023-07-10. Review status: criteria provided, single submitter. Criteria: Invitae Variant Classification Sherloc (09022015). Collection method: clinical testing. Allele origin: germline.
Comment: In summary, the available evidence is currently insufficient to determine the role of this variant in disease. Therefore, it has been classified as a Variant of Uncertain Significance. Experimental studies and prediction algorithms are not available or were not evaluated, and the functional significance of this variant is currently unknown. ClinVar contains an entry for this variant (Variation ID: 1494895). This variant has not been reported in the literature in individuals affected with RECQL4-related conditions. This variant is present in population databases (rs757224601, gnomAD 0.003%). This sequence change creates a premature translational stop signal (p.Gly1166Alafs*25) in the RECQL4 gene. While this is not anticipated to result in nonsense mediated decay, it is expected to disrupt the last 43 amino acid(s) of the RECQL4 protein.